The following is an entry in ClinVar:

ClinVar aggregate classification (germline): Uncertain significance. Review status: criteria provided, multiple submitters, no conflicts (2 of 4 stars). 2 submissions from 2 submitters: Uncertain significance (2). Last evaluated 2025-07-08.

Conditions:
Familial thoracic aortic aneurysm and aortic dissection (TAAD). Also called: Thoracic aortic aneurysms and dissections. Identifiers: Orphanet 91387, MedGen C4707243, MONDO:0019625.

Allele frequency attached by ClinVar (database versions not stated): ESP Exome Variant Server 0.00008.

Submissions (2):

Color Diagnostics, LLC DBA Color Health
Classification: Uncertain significance for Familial thoracic aortic aneurysm and aortic dissection. Last evaluated: 2025-07-08. Review status: criteria provided, single submitter. Criteria: ACMG Guidelines, 2015. Collection method: clinical testing. Allele origin: germline.
Comment: This missense variant replaces isoleucine with phenylalanine at codon 190 of the FBN1 protein. Computational prediction suggests that this variant may not impact protein structure and function. To our knowledge, functional studies have not been reported for this variant. This variant has not been reported in individuals affected with FBN1-related disorders in the literature. This variant has been identified in 1/251422 chromosomes in the general population by the Genome Aggregation Database (gnomAD). The available evidence is insufficient to determine the role of this variant in disease conclusively. Therefore, this variant is classified as a Variant of Uncertain Significance.

GeneDx
Classification: Uncertain significance. Last evaluated: 2024-05-09. Review status: criteria provided, single submitter. Criteria: GeneDx Variant Classification Process June 2021. Collection method: clinical testing. Allele origin: germline. Affected: yes.
Comment: Not observed at significant frequency in large population cohorts (gnomAD); In silico analysis supports that this missense variant has a deleterious effect on protein structure/function; Has not been previously published as pathogenic or benign to our knowledge; Does not affect a cysteine or calcium-binding residue within an EGF-like domain or a TGF-binding protein domain of the FBN1 gene; cysteine substitutions in the EGF-like domains represent the majority of pathogenic missense changes associated with FBN1-related disorders (PMID: 12938084)

NM_000138.5(FBN1):c.568A>T (p.Ile190Phe)

Gene: FBN1 (fibrillin 1; minus strand). Cytogenetic location: 15q21.1.
Variant type: single nucleotide variant.
Coding change: c.568A>T on transcript NM_000138.5 (MANE Select); coding-DNA position 568, A replaced by T.
Protein change: p.Ile190Phe; replaces isoleucine 190 with phenylalanine.
Molecular consequence: missense variant.
Genome position (GRCh38, 1-based): chr15:48,537,779, T>A on the plus strand (A>T on the coding strand, the complement: FBN1 is on the minus strand). VCF-style: chr15-48537779-T-A. GRCh37 (hg19) VCF-style: chr15-48829976-T-A.
Other names: c.568A>T (NM_000138.4); short protein forms I190F.
Identifiers: ClinVar variation 3375627 (VCV003375627.2), dbSNP rs147107676.